The following is an entry in ClinVar:

ClinVar aggregate classification (germline): Likely pathogenic (1 of 4 stars; one submission).

Conditions:
Autosomal recessive nonsyndromic hearing loss 102. Also called: Deafness, autosomal recessive 102. Identifiers: Orphanet 90636, MedGen C3892050, MONDO:0014428, OMIM 615974.

Submission:

Institute of Rare Diseases, West China Hospital, Sichuan University
Classification: Likely pathogenic for Autosomal recessive nonsyndromic hearing loss 102. Last evaluated: 2025-01-09. Review status: criteria provided, single submitter. Criteria: ClinGen HL ACMG Specifications v1. Collection method: research. Allele origin: germline. Affected: yes.
Comment: PVS1;PM2_Supporting

NM_004447.6(EPS8):c.694C>T (p.Arg232Ter)

Gene: EPS8 (EGFR pathway substrate 8, signaling adaptor; minus strand). Cytogenetic location: 12p12.3.
Variant type: single nucleotide variant.
Coding change: c.694C>T on transcript NM_004447.6 (MANE Select); coding-DNA position 694, C replaced by T.
Protein change: p.Arg232Ter; replaces arginine 232 with a stop codon.
Molecular consequence: nonsense. On other transcripts: non-coding transcript variant (2).
Genome position (GRCh38, 1-based): chr12:15,665,798, G>A on the plus strand (C>T on the coding strand, the complement: EPS8 is on the minus strand). VCF-style: chr12-15665798-G-A. GRCh37 (hg19) VCF-style: chr12-15818732-G-A.
Other names: c.694C>T, p.Arg232Ter (NM_001413831.1, NM_001413832.1, NM_001413833.1 and 3 more transcripts); c.454C>T, p.Arg152Ter (NM_001413835.1, NM_001413836.1); c.277C>T, p.Arg93Ter (NM_001413837.1); short protein forms R152*, R232*, R93*.
Identifiers: ClinVar variation 3601076 (VCV003601076.1).